The following is an entry in ClinVar:

ClinVar aggregate classification (germline): Uncertain significance (1 of 4 stars; one submission).

Conditions:
Bardet-Biedl syndrome (BBS). Identifiers: Orphanet 110, MedGen C0752166, MONDO:0015229.

Submission:

Labcorp Genetics (formerly Invitae), Labcorp
Classification: Uncertain significance for Bardet-Biedl syndrome. Last evaluated: 2021-05-17. Review status: criteria provided, single submitter. Criteria: Invitae Variant Classification Sherloc (09022015). Collection method: clinical testing. Allele origin: germline.
Comment: In summary, the available evidence is currently insufficient to determine the role of this variant in disease. Therefore, it has been classified as a Variant of Uncertain Significance. Algorithms developed to predict the effect of sequence changes on RNA splicing suggest that this variant may disrupt the consensus splice site, but this prediction has not been confirmed by published transcriptional studies. This variant has not been reported in the literature in individuals with BBS1-related conditions. This variant is not present in population databases (ExAC no frequency). This sequence change falls in intron 10 of the BBS1 gene. It does not directly change the encoded amino acid sequence of the BBS1 protein.

NM_024649.5(BBS1):c.952-8C>G

Genes: ZDHHC24 (zDHHC palmitoyltransferase 24; minus strand), BBS1 (Bardet-Biedl syndrome 1; plus strand). Cytogenetic location: 11q13.2.
Variant type: single nucleotide variant.
Coding change: c.952-8C>G on transcript NM_024649.5 (MANE Select); 8 bases into the intron before coding-DNA position 952, C replaced by G.
Molecular consequence: intron variant.
Genome position (GRCh38, 1-based): chr11:66,523,716, C>G. VCF-style: chr11-66523716-C-G. GRCh37 (hg19) VCF-style: chr11-66291187-C-G.
Other names: c.*22-2250G>C (NM_001348571.2).
Identifiers: ClinVar variation 1481425 (VCV001481425.8), dbSNP rs1856353251, ClinGen allele CA1979709928.